The following is an entry in ClinVar:

ClinVar aggregate classification (germline): Uncertain significance (1 of 4 stars; one submission).

Allele frequency attached by ClinVar (database versions not stated): TOPMed 0.00002; gnomAD 0.00003; ExAC 0.00007.

Submission:

GeneDx
Classification: Uncertain significance. Last evaluated: 2023-02-08. Review status: criteria provided, single submitter. Criteria: GeneDx Variant Classification Process June 2021. Collection method: clinical testing. Allele origin: germline. Affected: yes.
Comment: In silico analysis supports that this missense variant does not alter protein structure/function; Has not been previously published as pathogenic or benign to our knowledge

NM_001130969.3(NSMF):c.379C>T (p.Arg127Trp)

Gene: NSMF (NMDA receptor synaptonuclear signaling and neuronal migration factor; minus strand). Cytogenetic location: 9q34.3.
Variant type: single nucleotide variant.
Coding change: c.379C>T on transcript NM_001130969.3 (MANE Select); coding-DNA position 379, C replaced by T.
Protein change: p.Arg127Trp; replaces arginine 127 with tryptophan.
Molecular consequence: missense variant.
Genome position (GRCh38, 1-based): chr9:137,457,656, G>A on the plus strand (C>T on the coding strand, the complement: NSMF is on the minus strand). VCF-style: chr9-137457656-G-A. GRCh37 (hg19) VCF-style: chr9-140352108-G-A.
Other names: c.379C>T, p.Arg127Trp (NM_001130970.2, NM_001130971.2, NM_001178064.2 and 2 more transcripts); short protein forms R127W.
Identifiers: ClinVar variation 2575763 (VCV002575763.1), dbSNP rs748312370, ClinGen allele CA5370568.
Genomic context (GRCh38, chr9:137,457,656, plus strand): 5'-GGCTGCCACCAGGGCTGGCGCGCAGGGGCTGGCTGTGATGGTGAGGGTGCCGCTGCCGCC[G>A]CCCCTTCACCACCGCCAGCTCAATGGCCTCCGCCTCAGGGCTGGGCAGCAGGGCAGGCTC-3'
Protein context (NP_001124441.1, residues 117-137): EAIELAVVKG[Arg127Trp]RQRHPHHHSQ